The following continues an entry in ClinVar:

NM_020975.6(RET):c.1901G>A (p.Cys634Tyr)

Gene: RET. ClinVar aggregate classification (germline): Pathogenic/Likely pathogenic. Pathogenic (22); Likely pathogenic (1).

Submissions 7 to 20 of 30:

Institute for Genomic Medicine (IGM) Clinical Laboratory, Nationwide Children's Hospital
Classification: Pathogenic for Hereditary cancer-predisposing syndrome. Last evaluated: 2025-03-05. Review status: criteria provided, single submitter. Criteria: ACMG Guidelines, 2015. Collection method: clinical testing. Allele origin: germline.
Comment: Well-established functional studies have demonstrated this variant to have a damaging effect on protein function or splicing (ACMG/AMP: PS3; PMIDs:7824936, 9230192). This variant has been reported at an elevated frequency in affected individuals/in multiple affected individuals in the literature (ACMG/AMP: PS4; PMIDs:8099202, 12000816, 23723040, 21765987, 7835899). This variant is located in a mutational hot spot and/or critical and well-established functional domain (ACMG/AMP: PM1; PMID:20301434). This variant is absent from or present at an exceedingly low frequency in gnomAD, a large-scale control population database (ACMG/AMP: PM2). This variant has been shown to segregate with disease in multiple affected family members (ACMG/AMP: PP1; PMID:23723040). This variant occurs in a gene with a low rate of benign missense variation, in which missense alterations are a common mechanism of disease (ACMG/AMP: PP2). This variant is predicted to alter protein function or structure, or disrupt splicing by multiple in silico tools (ACMG/AMP: PP3).

Department of Pathology and Laboratory Medicine, Sinai Health System
Classification: Pathogenic for Hirschsprung disease, susceptibility to, 1; Familial medullary thyroid carcinoma; Multiple endocrine neoplasia type 2B; Pheochromocytoma; Multiple endocrine neoplasia type 2A. Last evaluated: 2024-10-22. Review status: criteria provided, single submitter. Criteria: ACMG Guidelines, 2015. Collection method: clinical testing. Allele origin: germline.

Mayo Clinic Laboratories, Mayo Clinic
Classification: Pathogenic. Last evaluated: 2024-04-02. Review status: criteria provided, single submitter. Criteria: ACMG Guidelines, 2015. Collection method: clinical testing. Allele origin: germline.

Genomic Medicine Center of Excellence, King Faisal Specialist Hospital and Research Centre
Classification: Pathogenic for Hirschsprung disease, susceptibility to, 1. Last evaluated: 2024-03-26. Review status: criteria provided, single submitter. Criteria: ACMG Guidelines, 2015. Collection method: clinical testing. Allele origin: germline.

Athena Diagnostics
Classification: Pathogenic. Last evaluated: 2024-02-27. Review status: criteria provided, single submitter. Criteria: Athena Diagnostics Criteria. Collection method: clinical testing. Allele origin: unknown.
Comment: The frequency of this variant in the general population is consistent with pathogenicity. (Genome Aggregation Database (gnomAD), Cambridge, MA (URL)) This variant has been identified in multiple unrelated individuals with MEN2A. The American Thyroid Association has placed this variant into the ATA-H category, formerly known as level C, for having a high risk of developing aggressive medullary thyroid carcinoma (MTC; see PMID: 25810047). At least one other missense variant at this codon is considered to be pathogenic or likely pathogenic, suggesting this variant may also cause disease. This variant segregates with disease in multiple families. Assessment of experimental evidence suggests this variant results in abnormal protein function. (PMID: 7824936, 9230192)

Baylor Genetics
Classification: Pathogenic for Hirschsprung disease, susceptibility to, 1. Last evaluated: 2023-12-29. Review status: criteria provided, single submitter. Criteria: ACMG Guidelines, 2015. Collection method: clinical testing. Allele origin: unknown.

KCCC/NGS Laboratory, Kuwait Cancer Control Center
Classification: Pathogenic for Multiple endocrine neoplasia type 2B. Last evaluated: 2023-07-07. Review status: criteria provided, single submitter. Criteria: ACMG Guidelines, 2015. Collection method: clinical testing. Allele origin: unknown. Affected: yes.
Comment: This sequence change replaces cysteine, which is neutral and slightly polar, with tyrosine, which is neutral and polar, at codon 634 of the RET protein (p.Cys634Tyr). This variant is present in population databases (rs75996173, gnomAD 0.007%). This missense change has been observed in individual(s) with multiple endocrine neoplasia type 2A and medullary thyroid cancer and pheochromocytoma (PMID: 2008030, 8099202, 12000816, 23723040). It has also been observed to segregate with disease in related individuals. ClinVar contains an entry for this variant (Variation ID: 13909) with 22 submissions. Algorithms developed to predict the effect of missense changes on protein structure and function are either unavailable or do not agree on the potential impact of this missense change (SIFT: "Deleterious"; PolyPhen-2: "Benign"; Align-GVGD: "Class C0"). Experimental studies have shown that this missense change affects RET function (PMID: 7824936). This variant disrupts the p.Cys634 amino acid residue in RET. Other variant(s) that disrupt this residue have been determined to be pathogenic (PMID: 8099202, 12000816, 21765987). Therefore, this variant has been classified as Pathogenic.

Laboratory of Molecular and Cytogenetics, Department of Anatomy, All India Institute of Medical Sciences (AIIMS)
Classification: Pathogenic for Multiple endocrine neoplasia type 2A. Last evaluated: 2023-05-21. Review status: criteria provided, single submitter. Criteria: ACMG Guidelines, 2015. Collection method: clinical testing. Allele origin: germline. Affected: yes. Observed: 2 variant alleles.

Neuberg Centre For Genomic Medicine, NCGM
Classification: Pathogenic for Multiple endocrine neoplasia type 2A. Last evaluated: 2023-05-20. Review status: criteria provided, single submitter. Criteria: ACMG Guidelines, 2015. Collection method: clinical testing. Allele origin: germline. Inheritance: Autosomal dominant inheritance. Affected: yes.
Comment: The observed missense c.1901G>A (p.Cys634Tyr) variant in RET gene has been reported in multiple individuals affected with RET-related disorders (Chiefari et al., 1998; Sánchez et al., 1999; Jackson et al., 2005; Valente et al., 2013; Valdés et al., 2015). It has also been observed to segregate with disease in related individuals (Valente et al., 2013). Amino acid position 634 is a well described mutation hot spot associated with Multiple endocrine neoplasia type 2A (MEN2A). Functional characterization of the p.Cys634Tyr variant and other missense variants at the same amino acid position (p.Cys634Arg, p.Cys634Trp) indicated increased auto-phosphorylation and activation of downstream targets, resulting in enhanced malignant transformation of cells (Cosci et al., 2011, Santoro et al., 1995). This variant is present with allele frequency of 0.0004% in gnomAD Exomes. This variant has been reported to the ClinVar database as Likely Pathogenic/ Pathogenic (multiple submissions). Multiple lines of computational evidence (Polyphen - Probably Damaging, SIFT - Damaging and MutationTaster - Disease causing) predict a damaging effect on protein structure and function for this variant. The reference amino acid of p.Cys634Tyr in RET is predicted as conserved by GERP++ and PhyloP across 100 vertebrates. The amino acid Cys at position 634 is changed to a Tyr changing protein sequence and it might alter its composition and physico-chemical properties. For these reasons, this variant has been classified as Pathogenic.

Quest Diagnostics Nichols Institute San Juan Capistrano
Classification: Pathogenic. Last evaluated: 2023-05-18. Review status: criteria provided, single submitter. Criteria: Quest Diagnostics criteria. Collection method: clinical testing. Allele origin: unknown.
Comment: The RET c.1901G>A (p.Cys634Tyr) variant has been reported in the published literature in multiple individuals with MEN2A and/or FMTC (PMID: 7835899 (1994), 9950371 (1999), 12000816 (2002), 21765987 (2011), 25810047 (2015), 26732158 (2016), 28099363 (2017), 33167350 (2020)). A functional study found the variant has a damaging effect on RET function (PMID: 7824936 (2015)). The frequency of this variant in the general population, 0.000004 (1/247574 chromosomes (Genome Aggregation Database)), is consistent with pathogenicity. Analysis of this variant using bioinformatics tools for the prediction of the effect of amino acid changes on protein structure and function yielded predictions that this variant is damaging. Based on the available information, this variant is classified as pathogenic.

Myriad Genetics, Inc.
Classification: Pathogenic for Multiple endocrine neoplasia type 2A. Last evaluated: 2023-04-18. Review status: criteria provided, single submitter. Criteria: Myriad Autosomal Dominant, Autosomal Recessive and X-Linked Classification Criteria (2023). Collection method: clinical testing. Allele origin: unknown.
Comment: This variant is considered pathogenic. Functional studies indicate this variant impacts protein function [PMID: 9230192, 21834681]. This variant has been reported in multiple individuals with clinical features of gene-specific disease [PMID: 26732158, 17188172, 34439168, 20801952, 33827484, 25810047].

GeneDx
Classification: Pathogenic. Last evaluated: 2023-03-24. Review status: criteria provided, single submitter. Criteria: GeneDx Variant Classification Process June 2021. Collection method: clinical testing. Allele origin: germline. Affected: yes.
Comment: Published functional studies demonstrate a damaging effect: high transforming ability, constitutive kinase activation (Santoro 1995, Ito 1997); In silico analysis supports that this missense variant has a deleterious effect on protein structure/function; Not observed at significant frequency in large population cohorts (gnomAD); Also known as p.(Cys380Tyr); This variant is associated with the following publications: (PMID: 12711285, 8797874, 9146685, 23723040, 19062722, 27558615, 25515555, 26254625, 29133048, 29656518, 23330657, 7835899, 21765987, 7824936, 8099202, 15858153, 8626834, 21054478, 16314641, 17895320, 24716929, 12000816, 7874109, 20080836, 26732158, 28099363, 26758973, 26572832, 26876062, 27539324, 23868299, 11987030, 30139385, 29197744, 7881414, 9230192, 28469506, 30113649, 21655256, 18063059, 12686527, 9950371, 7860065, 16099853, 11524247, 19240193, 7914213, 7491519, 12604374, 9820617, 9699127, 31062739, 30122763, 16158949, 20516206, 29625052, 31510104, 32989896, 8909322, 18096130, 9497883, 8984233, 35627249, 28152038, 30763276, 9706252, 25545346, 33340421, 33219105, 35418818, 14633923)

Blueprint Genetics
Classification: Pathogenic for RET-related disorders. Last evaluated: 2021-11-10. Review status: criteria provided, single submitter. Criteria: ACMG Guidelines, 2015. Collection method: clinical testing. Allele origin: germline. Affected: yes. Observed: 4 variant alleles.

MGZ Medical Genetics Center
Classification: Pathogenic for Multiple endocrine neoplasia type 2A. Last evaluated: 2021-09-01. Review status: criteria provided, single submitter. Criteria: ACMG Guidelines, 2015. Collection method: clinical testing. Allele origin: germline. Affected: yes. Observed: 1 variant allele.
Comment: ACMG criteria applied: PS1, PS4, PM1, PM2_SUP, PP3, PP4